The following is an entry in ClinVar:

NC_000022.10:g.(?_36677325)_(36712715_36714251)dup

Gene: MYH9 (myosin heavy chain 9; minus strand). Cytogenetic location: 22q12.3.
Variant type: Duplication.
Identifiers: ClinVar variation 2691384 (VCV002691384.1).

ClinVar aggregate classification (germline): Uncertain significance (1 of 4 stars; one submission).

Submission:

Women's Health and Genetics/Laboratory Corporation of America, LabCorp
Classification: Uncertain significance. Last evaluated: 2023-12-22. Review status: criteria provided, single submitter. Criteria: LabCorp Variant Classification Summary - May 2015. Collection method: clinical testing. Allele origin: germline.
Comment: Variant summary: The variant involves the duplication of exons 12-41 which includes the last exon in the MYH9 gene. A presumed nomenclature of c.(1227+1_1228-1)_(*1389_?)dup has been designated for the purposes of this classification. The exact breakpoint at the 3' end of this variant is unknown, therefore this duplication may extend downstream of the annotated region of the gene. As it duplicates the termination codon, its effect on the encoded protein is unknown. The variant was absent in 21692 control chromosomes (gnomAD structural variants dataset). The available data on variant occurrences in the general population are insufficient to allow any conclusion about variant significance. To our knowledge, no occurrence of c.(1227+1_1228-1)_(*1389_?)dup in individuals affected with Macrothrombocytopenia And Granulocyte Inclusions With Or Without Nephritis Or Sensorineural Hearing Loss and no experimental evidence demonstrating its impact on protein function have been reported. No submitters have cited clinical-significance assessments for this variant to ClinVar after 2014. Based on the evidence outlined above, the variant was classified as uncertain significance.